The following is an entry in ClinVar:

ClinVar aggregate classification (germline): Uncertain significance (1 of 4 stars; one submission).

gnomAD v4.1: 7 of 1,613,992 alleles (0.00043%); highest among the groups gnomAD compares: Admixed American, 0.0033%; no homozygotes.

Submission:

Labcorp Genetics (formerly Invitae), Labcorp
Classification: Uncertain significance. Last evaluated: 2025-07-09. Review status: criteria provided, single submitter. Criteria: Invitae Variant Classification Sherloc (09022015). Collection method: clinical testing. Allele origin: germline.
Comment: This sequence change replaces asparagine, which is neutral and polar, with serine, which is neutral and polar, at codon 908 of the KL protein (p.Asn908Ser). This variant is not present in population databases (gnomAD no frequency). This variant has not been reported in the literature in individuals affected with KL-related conditions. Invitae Evidence Modeling of protein sequence and biophysical properties (such as structural, functional, and spatial information, amino acid conservation, physicochemical variation, residue mobility, and thermodynamic stability) indicates that this missense variant is expected to disrupt KL protein function with a positive predictive value of 80%. In summary, the available evidence is currently insufficient to determine the role of this variant in disease. Therefore, it has been classified as a Variant of Uncertain Significance.

NM_004795.4(KL):c.2723A>G (p.Asn908Ser)

Gene: KL (klotho; plus strand). Cytogenetic location: 13q13.1.
Variant type: single nucleotide variant.
Coding change: c.2723A>G on transcript NM_004795.4 (MANE Select); coding-DNA position 2723, A replaced by G.
Protein change: p.Asn908Ser; replaces asparagine 908 with serine.
Molecular consequence: missense variant.
Genome position (GRCh38, 1-based): chr13:33,063,870, A>G. VCF-style: chr13-33063870-A-G. GRCh37 (hg19) VCF-style: chr13-33638007-A-G.
Other names: short protein forms N908S.
Identifiers: ClinVar variation 4806722 (VCV004806722.1).